The following is an entry in ClinVar:

ClinVar aggregate classification (germline): Uncertain significance. Review status: criteria provided, multiple submitters, no conflicts (2 of 4 stars). 5 submissions from 5 submitters: Uncertain significance (4). 1 of the submissions does not count toward it. Last evaluated 2025-09-03.

Conditions:
Inborn genetic diseases. Identifiers: MedGen C0950123, MeSH D030342.
COL6A2-related disorder.
Bethlem myopathy 1A. Also called: Bethlem Muscular Dystrophy; MYOPATHY, BENIGN CONGENITAL, WITH CONTRACTURES; Bethlem myopathy 1. Identifiers: Orphanet 610, MedGen CN029274, MONDO:0024530, OMIM 158810.

Allele frequency attached by ClinVar (database versions not stated): gnomAD exomes below 0.00001; gnomAD 0.00001; TOPMed 0.00001.
gnomAD v4.1: 3 of 1,611,014 alleles (0.00019%); highest among the groups gnomAD compares: Non-Finnish European, 0.00017%; no homozygotes.

Submissions (5):

Women's Health and Genetics/Laboratory Corporation of America, LabCorp
Classification: Uncertain significance. Last evaluated: 2025-09-03. Review status: criteria provided, single submitter. Criteria: LabCorp Variant Classification Summary - May 2015. Collection method: clinical testing. Allele origin: germline.
Comment: Variant summary: COL6A2 c.1811G>A (p.Cys604Tyr) results in a non-conservative amino acid change in the encoded protein sequence. Algorithms developed to predict the effect of missense changes on protein structure and function all suggest that this variant is likely to be disruptive. The variant was absent in 248542 control chromosomes. The available data on variant occurrences in the general population are insufficient to allow any conclusion about variant significance. To our knowledge, no occurrence of c.1811G>A in individuals affected with COL6A2-related conditions and no experimental evidence demonstrating its impact on protein function have been reported. ClinVar contains an entry for this variant (Variation ID: 1499204). Based on the evidence outlined above, the variant was classified as uncertain significance.

Revvity Omics, Revvity
Classification: Uncertain significance. Last evaluated: 2024-05-03. Review status: criteria provided, single submitter. Criteria: ACMG Guidelines, 2015. Collection method: clinical testing. Allele origin: germline.

Labcorp Genetics (formerly Invitae), Labcorp
Classification: Uncertain significance for Bethlem myopathy 1A. Last evaluated: 2023-03-04. Review status: criteria provided, single submitter. Criteria: Invitae Variant Classification Sherloc (09022015). Collection method: clinical testing. Allele origin: germline.
Comment: This sequence change replaces cysteine, which is neutral and slightly polar, with tyrosine, which is neutral and polar, at codon 604 of the COL6A2 protein (p.Cys604Tyr). In summary, the available evidence is currently insufficient to determine the role of this variant in disease. Therefore, it has been classified as a Variant of Uncertain Significance. Advanced modeling of protein sequence and biophysical properties (such as structural, functional, and spatial information, amino acid conservation, physicochemical variation, residue mobility, and thermodynamic stability) performed at Invitae indicates that this missense variant is expected to disrupt COL6A2 protein function. ClinVar contains an entry for this variant (Variation ID: 1499204). This variant has not been reported in the literature in individuals affected with COL6A2-related conditions. This variant is not present in population databases (gnomAD no frequency).

Ambry Genetics
Classification: Uncertain significance for Inborn genetic diseases. Last evaluated: 2023-01-18. Review status: criteria provided, single submitter. Criteria: Ambry Variant Classification Scheme 2023. Collection method: clinical testing. Allele origin: germline.

PreventionGenetics, part of Exact Sciences
Classification: Uncertain significance for COL6A2-related condition. Last evaluated: 2024-07-11. Review status: no assertion criteria provided. Collection method: clinical testing. Allele origin: germline. Not counted in ClinVar's aggregate classification.
Comment: The COL6A2 c.1811G>A variant is predicted to result in the amino acid substitution p.Cys604Tyr. To our knowledge, this variant has not been reported in the literature or in a large population database, indicating this variant is rare. At this time, the clinical significance of this variant is uncertain due to the absence of conclusive functional and genetic evidence.

NM_001849.4(COL6A2):c.1811G>A (p.Cys604Tyr)

Gene: COL6A2 (collagen type VI alpha 2 chain; plus strand). Cytogenetic location: 21q22.3.
Variant type: single nucleotide variant.
Coding change: c.1811G>A on transcript NM_001849.4 (MANE Select); coding-DNA position 1811, G replaced by A.
Protein change: p.Cys604Tyr; replaces cysteine 604 with tyrosine.
Molecular consequence: missense variant.
Genome position (GRCh38, 1-based): chr21:46,125,306, G>A. VCF-style: chr21-46125306-G-A. GRCh37 (hg19) VCF-style: chr21-47545220-G-A.
Other names: c.1811G>A (NM_001849.3); c.1811G>A, p.Cys604Tyr (NM_058174.3, NM_058175.3); short protein forms C604Y.
Identifiers: ClinVar variation 1499204 (VCV001499204.11), dbSNP rs1420375071, ClinGen allele CA410538001.
Genomic context (GRCh38, chr21:46,125,306, plus strand): 5'-GCCTGCCGTGTGCATTGCAGGAGTGTGACGTCATGACCTACGTGAGGGAGACCTGCGGGT[G>A]CTGCGGTGAGGCACTGCCCACGGCAGGGTCGGGGCCCATGCACCGGGTGGAGGGCGGGAG-3'
Protein context (NP_001840.3, residues 594-614): VMTYVRETCG[Cys604Tyr]CDCEKRCGAL